The following is an entry in ClinVar:

ClinVar aggregate classification (germline): Likely pathogenic (1 of 4 stars; one submission).

Conditions:
Neurofibromatosis-Noonan syndrome (NFNS). Also called: NEUROFIBROMATOSIS WITH NOONAN PHENOTYPE. Identifiers: Orphanet 638, MedGen C2931482, MONDO:0011035, OMIM 601321. Disease mechanism: loss of function.

Submission:

3billion
Classification: Likely pathogenic for Neurofibromatosis-Noonan syndrome. Last evaluated: 2022-01-03. Review status: criteria provided, single submitter. Criteria: ACMG Guidelines, 2015. Collection method: clinical testing. Allele origin: germline. Affected: yes. Observed: 1 heterozygote.
Comment: Frameshift: predicted to result in a loss or disruption of normal protein function through nonsense-mediated decay (NMD) or protein truncation. Multiple pathogenic variants are reported downstream of the variant (PVS1_VS). It is not observed in the gnomAD v2.1.1 dataset (PM2_M). Therefore, this variant is classified as likely pathogenic according to the recommendation of ACMG/AMP guideline.

NM_001042492.3(NF1):c.7169_7170insAACC (p.Val2391fs)

Gene: NF1 (neurofibromin 1; plus strand). Cytogenetic location: 17q11.2.
Variant type: Insertion.
Coding change: c.7169_7170insAACC on transcript NM_001042492.3 (MANE Select); coding-DNA positions 7169 to 7170, AACC inserted.
Protein change: p.Val2391fs; shifts the reading frame from valine 2391.
Molecular consequence: frameshift variant.
Genome position: GRCh38 VCF-style: chr17-31343115-T-TAACC. GRCh37 (hg19) VCF-style: chr17-29670133-T-TAACC.
Other names: c.7106_7107insAACC, p.Val2370Thrfs (NM_000267.4); short protein forms V2370fs, V2391fs.
Identifiers: ClinVar variation 1333586 (VCV001333586.1), dbSNP rs2151565268, ClinGen allele CA2573054400.